The following is an entry in ClinVar:

NM_031407.7(HUWE1):c.12688T>C (p.Phe4230Leu)

Gene: HUWE1 (HECT, UBA and WWE domain containing E3 ubiquitin protein ligase 1; minus strand). Cytogenetic location: Xp11.22.
Variant type: single nucleotide variant.
Coding change: c.12688T>C on transcript NM_031407.7 (MANE Select); coding-DNA position 12688, T replaced by C.
Protein change: p.Phe4230Leu; replaces phenylalanine 4230 with leucine.
Molecular consequence: missense variant.
Genome position (GRCh38, 1-based): chrX:53,534,659, A>G on the plus strand (T>C on the coding strand, the complement: HUWE1 is on the minus strand). VCF-style: chrX-53534659-A-G. GRCh37 (hg19) VCF-style: chrX-53561620-A-G.
Other names: c.12640T>C, p.Phe4214Leu (NM_001441048.1, NM_001441053.1, NM_001441058.1); c.12643T>C, p.Phe4215Leu (NM_001441049.1, NM_001441054.1); c.12664T>C, p.Phe4222Leu (NM_001441050.1, NM_001441055.1); c.12685T>C, p.Phe4229Leu (NM_001441051.1, NM_001441056.1); c.12286T>C, p.Phe4096Leu (NM_001441052.1); c.12688T>C, p.Phe4230Leu (NM_001441057.1); short protein forms F4096L, F4214L, F4215L, F4222L, F4229L, F4230L.
Identifiers: ClinVar variation 4851310 (VCV004851310.1).

ClinVar aggregate classification (germline): Likely pathogenic (1 of 4 stars; one submission).

Conditions:
Intellectual developmental disorder, X-linked, syndromic, Turner type. Also called: X-linked intellectual disability, Turner type; Intellectual disability, X-linked syndromic, Turner type. Identifiers: Orphanet 3056, Orphanet 85328, MedGen C2678046, MONDO:0010407, OMIM 309590.

Submission:

Gansu Provincial Maternity and Child Care Hospital
Classification: Likely pathogenic for Intellectual developmental disorder, X-linked, syndromic, Turner type. Last evaluated: 2026-05-18. Review status: criteria provided, single submitter. Criteria: ACMG Guidelines, 2015. Collection method: clinical testing. Allele origin: de novo. Inheritance: X-linked inheritance. Affected: yes.
Comment: The c.12688T>C (p.Phe4230Leu) variant is a missense variant. Parental verification confirmed it as a de novo variant (PS2). This site is not recorded in the gnomAD database (PM2_supporting).Missense variant in HUWE1 has a low rate of benign missense variation and in which missense variants are a common mechanism of disease(PP2).Multiple in silico tools predicted a deleterious effect (PP3).This variant is classified as Likely pathogenic.